The following is an entry in ClinVar:

NM_003356.4(UCP3):c.922C>T (p.Arg308Trp)

Gene: UCP3 (uncoupling protein 3; minus strand). Cytogenetic location: 11q13.4.
Variant type: single nucleotide variant.
Coding change: c.922C>T on transcript NM_003356.4 (MANE Select); coding-DNA position 922, C replaced by T.
Protein change: p.Arg308Trp; replaces arginine 308 with tryptophan.
Molecular consequence: missense variant.
Genome position (GRCh38, 1-based): chr11:74,001,429, G>A on the plus strand (C>T on the coding strand, the complement: UCP3 is on the minus strand). VCF-style: chr11-74001429-G-A. GRCh37 (hg19) VCF-style: chr11-73712474-G-A.
Other names: short protein forms R308W.
Identifiers: ClinVar variation 1336999 (VCV001336999.10), dbSNP rs763155375, ClinGen allele CA6181306.

ClinVar aggregate classification (germline): Conflicting classifications of pathogenicity. Review status: criteria provided, conflicting classifications (1 of 4 stars). 4 submissions from 4 submitters: Uncertain significance (2); Likely benign (1). 1 of the submissions does not count toward it. Last evaluated 2024-02-28.

Conditions:
Obesity. Also called: Obesity disorder. Identifiers: Orphanet 71529, MedGen C0028754, MeSH D009765, MONDO:0011122, HP:0001513.
UCP3-related disorder. Also called: UCP3-related condition.

Allele frequency attached by ClinVar (database versions not stated): gnomAD exomes 0.00008 and 0.00032; ExAC 0.00024; gnomAD 0.00009; TOPMed 0.00025.
gnomAD v4.1: 122 of 1,614,004 alleles (0.0076%); highest among the groups gnomAD compares: Admixed American, 0.18%; no homozygotes.

Submissions (4):

Labcorp Genetics (formerly Invitae), Labcorp
Classification: Likely benign. Last evaluated: 2024-02-28. Review status: criteria provided, single submitter. Criteria: Invitae Variant Classification Sherloc (09022015). Collection method: clinical testing. Allele origin: germline.

Fulgent Genetics
Classification: Uncertain significance for Inherited obesity. Last evaluated: 2021-07-06. Review status: criteria provided, single submitter. Criteria: ACMG Guidelines, 2015. Collection method: clinical testing. Allele origin: unknown.

Genetic Services Laboratory, University of Chicago
Classification: Uncertain significance. Last evaluated: 2019-01-29. Review status: criteria provided, single submitter. Criteria: ACMG Guidelines, 2015. Collection method: clinical testing. Allele origin: germline. Affected: no.

PreventionGenetics, part of Exact Sciences
Classification: Likely benign for UCP3-related condition. Last evaluated: 2022-02-03. Review status: no assertion criteria provided. Collection method: clinical testing. Allele origin: germline. Not counted in ClinVar's aggregate classification.
Comment: This variant is classified as likely benign based on ACMG/AMP sequence variant interpretation guidelines (Richards et al. 2015 PMID: 25741868, with internal and published modifications).